The following is an entry in ClinVar:

NM_000444.6(PHEX):c.1719dup (p.Ile574fs)

Genes: PHEX (phosphate regulating endopeptidase homolog X-linked; plus strand), PTCHD1-AS (PTCHD1 antisense RNA (head to head); minus strand). Cytogenetic location: Xp22.11.
Variant type: Duplication.
Coding change: c.1719dup on transcript NM_000444.6 (MANE Select); coding-DNA position 1719, one base duplicated (T; older notation c.1719dupT).
Protein change: p.Ile574fs; shifts the reading frame from isoleucine 574.
Molecular consequence: frameshift variant.
Genome position (GRCh38, 1-based): chrX:22,219,054, T duplicated. VCF-style (leftmost placement, unchanged base first): chrX-22219053-C-CT. GRCh37 (hg19) VCF-style: chrX-22237170-C-CT.
Other names: c.1719dup, p.Ile574fs (NM_001282754.2); short protein forms I574fs.
Identifiers: ClinVar variation 419257 (VCV000419257.2), dbSNP rs1556135320, ClinGen allele CA16621332.

ClinVar aggregate classification (germline): Pathogenic (1 of 4 stars; one submission).

Submission:

GeneDx
Classification: Pathogenic. Last evaluated: 2015-07-16. Review status: criteria provided, single submitter. Criteria: GeneDx Variant Classification (06012015). Collection method: clinical testing. Allele origin: germline. Affected: yes.
Comment: The c.1719dupT duplication in the PHEX gene causes a frameshift starting with codon Isoleucine 574,changes this amino acid to a Tyrosine residue and creates a premature Stop codon at position 8 of the newreading frame, denoted p.Ile574TyrfsX8. This suplidation is predicted to cause loss of normal proteinfunction either through protein truncation or nonsense-mediated mRNA decay. Although this variant hasnot been previously reported to our knowledge, we interpret it as pathogenic.